The following is an entry in ClinVar:

ClinVar aggregate classification (germline): Benign/Likely benign. Review status: criteria provided, multiple submitters, no conflicts (2 of 4 stars). 4 submissions from 4 submitters: Benign (2); Likely benign (1). 1 of the submissions does not count toward it. Last evaluated 2025-06-12.

Conditions:
SLC20A2-related disorder. Also called: SLC20A2-related condition.
Idiopathic basal ganglia calcification 1 (PFBC1A). Also called: Cerebral calcification nonarteriosclerotic idiopathic adult-onset; Striopallidodentate calcinosis autosomal dominant adult-onset; Ferrocalcinosis, cerebrovascular; Fahr disease, familial (formerly); PRIMARY FAMILIAL BRAIN CALCIFICATION 1A, AUTOSOMAL DOMINANT; Familial Idiopathic Basal Ganglia Calcification 3. Identifiers: Orphanet 1980, MedGen C4551624, MONDO:0024538, OMIM 213600.

Allele frequency attached by ClinVar (database versions not stated): gnomAD 0.00032 and 0.00033; TOPMed 0.00038; 1000 Genomes Project 0.00060; 1000 Genomes Project 30x 0.00062.
gnomAD v4.1: 221 of 1,614,094 alleles (0.014%); highest among the groups gnomAD compares: Admixed American, 0.11%; 1 homozygote.

Submissions (4):

Labcorp Genetics (formerly Invitae), Labcorp
Classification: Benign. Last evaluated: 2025-06-12. Review status: criteria provided, single submitter. Criteria: Invitae Variant Classification Sherloc (09022015). Collection method: clinical testing. Allele origin: germline.

Blueprint Genetics
Classification: Likely benign. Last evaluated: 2024-04-03. Review status: criteria provided, single submitter. Criteria: ACMG Guidelines, 2015. Collection method: clinical testing. Allele origin: germline.

Illumina Laboratory Services, Illumina
Classification: Benign for Idiopathic basal ganglia calcification 1. Last evaluated: 2018-01-13. Review status: criteria provided, single submitter. Criteria: ICSL Variant Classification Criteria 13 December 2019. Collection method: clinical testing. Allele origin: germline.
Comment: This variant was observed in the ICSL laboratory as part of a predisposition screen in an ostensibly healthy population. It had not been previously curated by ICSL or reported in the Human Gene Mutation Database (HGMD: prior to June 1st, 2018), and was therefore a candidate for classification through an automated scoring system. Utilizing variant allele frequency, disease prevalence and penetrance estimates, and inheritance mode, an automated score was calculated to assess if this variant is too frequent to cause the disease. Based on the score and internal cut-off values, a variant classified as benign is not then subjected to further curation. The score for this variant resulted in a classification of benign for this disease.

PreventionGenetics, part of Exact Sciences
Classification: Likely benign for SLC20A2-related condition. Last evaluated: 2019-06-07. Review status: no assertion criteria provided. Collection method: clinical testing. Allele origin: germline. Not counted in ClinVar's aggregate classification.
Comment: This variant is classified as likely benign based on ACMG/AMP sequence variant interpretation guidelines (Richards et al. 2015 PMID: 25741868, with internal and published modifications).

NM_001257180.2(SLC20A2):c.1101C>G (p.Pro367=)

Gene: SLC20A2 (solute carrier family 20 member 2; minus strand). Cytogenetic location: 8p11.21.
Variant type: single nucleotide variant.
Coding change: c.1101C>G on transcript NM_001257180.2 (MANE Select); coding-DNA position 1101, C replaced by G.
Protein change: p.Pro367=; no amino-acid change (proline 367 retained).
Molecular consequence: synonymous variant.
Genome position (GRCh38, 1-based): chr8:42,437,411, G>C on the plus strand (C>G on the coding strand, the complement: SLC20A2 is on the minus strand). VCF-style: chr8-42437411-G-C. GRCh37 (hg19) VCF-style: chr8-42294929-G-C.
Other names: c.1101C>G, p.Pro367= (NM_001257181.2, NM_006749.5); c.1101C>G (NM_001257180.1).
Identifiers: ClinVar variation 911277 (VCV000911277.14), dbSNP rs199935692, ClinGen allele CA4733381.